The following is an entry in ClinVar:

NM_001042492.3(NF1):c.2195dup (p.Leu732fs)

Gene: NF1 (neurofibromin 1; plus strand). Cytogenetic location: 17q11.2.
Variant type: Duplication.
Coding change: c.2195dup on transcript NM_001042492.3 (MANE Select); coding-DNA position 2195, one base duplicated (T; older notation c.2195dupT).
Protein change: p.Leu732fs; shifts the reading frame from leucine 732.
Molecular consequence: frameshift variant.
Genome position (GRCh38, 1-based): chr17:31,226,628, T duplicated; the last of 2 consecutive T bases (chr17:31,226,627-31,226,628); duplicating either gives the same sequence. VCF-style (leftmost placement, unchanged base first): chr17-31226626-C-CT. GRCh37 (hg19) VCF-style: chr17-29553644-C-CT.
Other names: c.2195dup, p.Leu732fs (NM_000267.4); c.2195dupT (NM_000267.3); short protein forms L732fs.
Identifiers: ClinVar variation 4860985 (VCV004860985.1).
Genomic context (GRCh38, chr17:31,226,626, plus strand): 5'-CCACCTCTGTGAGGAAGCAGATATCCGGTGTGGGGTGGATGAAGTGTCAGTGCATAACCT[C>CT]TTGCCCAACTATAACACATTCATGGAGTTTGCCTCTGTCAGCAATATGATGTCAACAGGT-3'

ClinVar aggregate classification (germline): Pathogenic (1 of 4 stars; one submission).

Conditions:
Cardiovascular phenotype. Identifiers: MedGen CN230736.
Hereditary cancer-predisposing syndrome. Also called: Neoplastic Syndromes, Hereditary; Tumor predisposition; Hereditary Cancer Syndrome; Hereditary neoplastic syndrome. Identifiers: Orphanet 140162, MedGen C0027672, MeSH D009386, MONDO:0015356.

Submission:

Ambry Genetics
Classification: Pathogenic for Cardiovascular phenotype; Hereditary cancer-predisposing syndrome. Last evaluated: 2026-06-02. Review status: criteria provided, single submitter. Criteria: Ambry Variant Classification Scheme 2023. Collection method: clinical testing. Allele origin: germline.
Comment: The c.2195dupT pathogenic mutation, located in coding exon 18 of the NF1 gene, results from a duplication of T at nucleotide position 2195, causing a translational frameshift with a predicted alternate stop codon (p.L732Ffs*5). This variant was reported in individual(s) with features consistent with Neurofibromatosis type 1 (Ambry internal data). This variant is considered to be rare based on population cohorts in the Genome Aggregation Database (gnomAD). This variant is expected to result in loss of function by premature protein truncation or nonsense-mediated mRNA decay. As such, this variant is interpreted as a disease-causing mutation.